The following is an entry in ClinVar:

ClinVar aggregate classification (germline): Pathogenic (1 of 4 stars; one submission).

Conditions:
Generalized epilepsy with febrile seizures plus, type 7 (GEFSP7). Also called: GEFS+, TYPE 7. Identifiers: Orphanet 36387, MedGen C2751778, MONDO:0013470, OMIM 613863.
Neuropathy, hereditary sensory and autonomic, type 2A (HSAN2A). Also called: WNK1-Related HSAN2 (HSAN2A); MORVAN DISEASE; NEUROPATHY, CONGENITAL SENSORY; NEUROPATHY, HEREDITARY SENSORY RADICULAR, AUTOSOMAL RECESSIVE; NEUROPATHY, HEREDITARY SENSORY, TYPE IIA; NEUROPATHY, PROGRESSIVE SENSORY, OF CHILDREN. Identifiers: Orphanet 970, MedGen C2752089, MONDO:0024309, OMIM 201300.

Submission:

Labcorp Genetics (formerly Invitae), Labcorp
Classification: Pathogenic for Neuropathy, hereditary sensory and autonomic, type 2A; Generalized epilepsy with febrile seizures plus, type 7. Last evaluated: 2022-07-11. Review status: criteria provided, single submitter. Criteria: Invitae Variant Classification Sherloc (09022015). Collection method: clinical testing. Allele origin: germline.
Comment: For these reasons, this variant has been classified as Pathogenic. ClinVar contains an entry for this variant (Variation ID: 1355824). This variant has not been reported in the literature in individuals affected with SCN9A-related conditions. This variant is not present in population databases (gnomAD no frequency). This sequence change creates a premature translational stop signal (p.Phe1051Glnfs*8) in the SCN9A gene. It is expected to result in an absent or disrupted protein product. Loss-of-function variants in SCN9A are known to be pathogenic (PMID: 17470132, 19304393).

Literature cited by the submitters: PubMed 17470132; PubMed 19304393.

NM_001365536.1(SCN9A):c.3183_3199del (p.Phe1062fs)

Genes: SCN9A (sodium voltage-gated channel alpha subunit 9; minus strand), SCN1A-AS1 (SCN1A and SCN9A antisense RNA 1; plus strand). Cytogenetic location: 2q24.3.
Variant type: Deletion.
Coding change: c.3183_3199del on transcript NM_001365536.1 (MANE Select); coding-DNA positions 3183 to 3199, 17 bases deleted (TTTTGGAAGCAGCGTGG).
Protein change: p.Phe1062fs; shifts the reading frame from phenylalanine 1062.
Molecular consequence: frameshift variant.
Genome position (GRCh38, 1-based): chr2:166,272,551-166,272,567, CCACGCTGCTTCCAAAA deleted on the plus strand (TTTTGGAAGCAGCGTGG on the coding strand, the reverse complement: SCN9A is on the minus strand); deleting any 17 consecutive bases within chr2:166,272,551-166,272,571 gives the same sequence; the c. name uses the placement nearest the transcript's 3' end. VCF-style (leftmost placement, unchanged base first): chr2-166272550-TCCACGCTGCTTCCAAAA-T. GRCh37 (hg19) VCF-style: chr2-167129060-TCCACGCTGCTTCCAAAA-T.
Other names: c.3146_3162del17, p.Phe1051Glnfs (NM_002977.4); short protein forms F1062fs, F1051fs.
Identifiers: ClinVar variation 1355824 (VCV001355824.6), dbSNP rs1317855790, ClinGen allele CA760206609.